The following is an entry in ClinVar:

NM_032119.4(ADGRV1):c.13321T>G (p.Ser4441Ala)

Gene: ADGRV1 (adhesion G protein-coupled receptor V1; plus strand). Cytogenetic location: 5q14.3.
Variant type: single nucleotide variant.
Coding change: c.13321T>G on transcript NM_032119.4 (MANE Select); coding-DNA position 13321, T replaced by G.
Protein change: p.Ser4441Ala; replaces serine 4441 with alanine.
Molecular consequence: missense variant. On other transcripts: non-coding transcript variant (1).
Genome position (GRCh38, 1-based): chr5:90,783,213, T>G. VCF-style: chr5-90783213-T-G. GRCh37 (hg19) VCF-style: chr5-90079030-T-G.
Other names: short protein forms S4441A.
Identifiers: ClinVar variation 2115006 (VCV002115006.4), dbSNP rs2531925822, ClinGen allele CA360393945.

ClinVar aggregate classification (germline): Uncertain significance (1 of 4 stars; one submission).

Submission:

Labcorp Genetics (formerly Invitae), Labcorp
Classification: Uncertain significance. Last evaluated: 2022-08-06. Review status: criteria provided, single submitter. Criteria: Invitae Variant Classification Sherloc (09022015). Collection method: clinical testing. Allele origin: germline.
Comment: This sequence change replaces serine, which is neutral and polar, with alanine, which is neutral and non-polar, at codon 4441 of the ADGRV1 protein (p.Ser4441Ala). In summary, the available evidence is currently insufficient to determine the role of this variant in disease. Therefore, it has been classified as a Variant of Uncertain Significance. Algorithms developed to predict the effect of missense changes on protein structure and function output the following: SIFT: "Tolerated"; PolyPhen-2: "Possibly Damaging"; Align-GVGD: "Class C0". The alanine amino acid residue is found in multiple mammalian species, which suggests that this missense change does not adversely affect protein function. This variant has not been reported in the literature in individuals affected with ADGRV1-related conditions. This variant is not present in population databases (gnomAD no frequency).